The following is an entry in ClinVar:

ClinVar aggregate classification (germline): Pathogenic. Review status: criteria provided, multiple submitters, no conflicts (2 of 4 stars). 2 submissions from 2 submitters: Pathogenic (2). Last evaluated 2024-06-26.

Conditions:
EDA-related disorder. Also called: EDA-related condition; EDA-related disorders.
Hypohidrotic X-linked ectodermal dysplasia (XHED). Also called: Ectodermal Dysplasia 1, Anhidrotic; ECTODERMAL DYSPLASIA 1, HYPOHIDROTIC, X-LINKED; ECTODERMAL DYSPLASIA 1, HYPOHIDROTIC/HAIR/TOOTH TYPE, X-LINKED; Anhidrotic ectodermal dysplasia X-linked; Christ Siemens Touraine syndrome; ECTODERMAL DYSPLASIA, HYPOHIDROTIC, 1. Identifiers: Orphanet 181, Orphanet 238468, MedGen C0162359, MONDO:0010585, OMIM 305100.

Submissions (3):

Blueprint Genetics
Classification: Pathogenic for EDA-related disorders. Last evaluated: 2024-06-26. Review status: criteria provided, single submitter. Criteria: ACMG Guidelines, 2015. Collection method: clinical testing. Allele origin: germline. Affected: yes. Observed: 1 variant allele.

Labcorp Genetics (formerly Invitae), Labcorp
Classification: Pathogenic for Hypohidrotic X-linked ectodermal dysplasia. Last evaluated: 2020-10-07. Review status: criteria provided, single submitter. Criteria: Invitae Variant Classification Sherloc (09022015). Collection method: clinical testing. Allele origin: germline.
Comment: For these reasons, this variant has been classified as Pathogenic. Experimental studies have shown that this variant disrupts mRNA splicing (PMID: 31306530). This variant has been observed in individual(s) with ectodermal dysplasia (PMID: 27305980, 31306530, Invitae). It has also been observed to segregate with disease in related individuals. This variant is not present in population databases (ExAC no frequency). This sequence change affects codon 267 of the EDA mRNA. It is a 'silent' change, meaning that it does not change the encoded amino acid sequence of the EDA protein.

Dr. Peter K. Rogan Lab, Western University
No classification provided (evidence only). Condition: Thyroid cancer, nonmedullary, 1. Review status: no classification provided. Collection method: in vitro. Allele origin: not applicable. Functional consequence: skipped exon, retained intron. Not counted in ClinVar's aggregate classification.

Literature cited by the submitters: PubMed 31306530 (cited by Labcorp Genetics (formerly Invitae), Labcorp); PubMed 27305980 (cited by Labcorp Genetics (formerly Invitae), Labcorp).

NM_001399.5(EDA):c.801A>G (p.Ser267=)

Gene: EDA (ectodysplasin A; plus strand). Cytogenetic location: Xq13.1.
Variant type: single nucleotide variant.
Coding change: c.801A>G on transcript NM_001399.5 (MANE Select); coding-DNA position 801, A replaced by G.
Protein change: p.Ser267=; no amino-acid change (serine 267 retained).
Molecular consequence: synonymous variant. On other transcripts: splice acceptor variant (1).
Genome position (GRCh38, 1-based): chrX:70,033,405, A>G. VCF-style: chrX-70033405-A-G. GRCh37 (hg19) VCF-style: chrX-69253255-A-G.
Other names: c.801A>G, p.Ser267= (NM_001005609.2); c.794-2A>G (NM_001005612.3).
Identifiers: ClinVar variation 1070896 (VCV001070896.11), dbSNP rs2147516275, ClinGen allele CA413448771.